The following is an entry in ClinVar:

ClinVar aggregate classification (germline): Uncertain significance (1 of 4 stars; one submission).

Allele frequency attached by ClinVar (database versions not stated): gnomAD exomes below 0.00001; TOPMed below 0.00001.

Submission:

Labcorp Genetics (formerly Invitae), Labcorp
Classification: Uncertain significance. Last evaluated: 2022-09-13. Review status: criteria provided, single submitter. Criteria: Invitae Variant Classification Sherloc (09022015). Collection method: clinical testing. Allele origin: germline.
Comment: In summary, the available evidence is currently insufficient to determine the role of this variant in disease. Therefore, it has been classified as a Variant of Uncertain Significance. Advanced modeling of protein sequence and biophysical properties (such as structural, functional, and spatial information, amino acid conservation, physicochemical variation, residue mobility, and thermodynamic stability) performed at Invitae indicates that this missense variant is not expected to disrupt SLC13A3 protein function. This variant has not been reported in the literature in individuals affected with SLC13A3-related conditions. This variant is not present in population databases (gnomAD no frequency). This sequence change replaces isoleucine, which is neutral and non-polar, with threonine, which is neutral and polar, at codon 488 of the SLC13A3 protein (p.Ile488Thr).

NM_022829.6(SLC13A3):c.1463T>C (p.Ile488Thr)

Gene: SLC13A3 (solute carrier family 13 member 3; minus strand). Cytogenetic location: 20q13.12.
Variant type: single nucleotide variant.
Coding change: c.1463T>C on transcript NM_022829.6 (MANE Select); coding-DNA position 1463, T replaced by C.
Protein change: p.Ile488Thr; replaces isoleucine 488 with threonine.
Molecular consequence: missense variant.
Genome position (GRCh38, 1-based): chr20:46,566,260, A>G on the plus strand (T>C on the coding strand, the complement: SLC13A3 is on the minus strand). VCF-style: chr20-46566260-A-G. GRCh37 (hg19) VCF-style: chr20-45194899-A-G.
Other names: c.1322T>C, p.Ile441Thr (NM_001011554.3); c.1313T>C, p.Ile438Thr (NM_001193339.2); c.1217T>C, p.Ile406Thr (NM_001193340.2); c.1169T>C, p.Ile390Thr (NM_001193342.2); short protein forms I488T, I406T, I390T, I438T, I441T.
Identifiers: ClinVar variation 1955569 (VCV001955569.5), dbSNP rs2061979177, ClinGen allele CA409258198.